The following is an entry in ClinVar:

ClinVar aggregate classification (germline): Conflicting classifications of pathogenicity. Review status: criteria provided, conflicting classifications (1 of 4 stars). 3 submissions from 3 submitters: Likely pathogenic (2); Uncertain significance (1). Last evaluated 2024-09-06.

Conditions:
CACNA2D4-related disorder. Also called: CACNA2D4-related condition.
Retinal cone dystrophy 4 (RCD4). Identifiers: Orphanet 1872, MedGen C1864849, MONDO:0012507, OMIM 610478.

gnomAD v4.1: 9 of 1,604,596 alleles (0.00056%); highest among the groups gnomAD compares: Middle Eastern, 0.017%; no homozygotes.

Submissions (3):

Blueprint Genetics
Classification: Likely pathogenic for CACNA2D4-related disorders. Last evaluated: 2024-09-06. Review status: criteria provided, single submitter. Criteria: ACMG Guidelines, 2015. Collection method: clinical testing. Allele origin: germline. Affected: yes. Observed: 5 variant alleles.

Labcorp Genetics (formerly Invitae), Labcorp
Classification: Uncertain significance. Last evaluated: 2020-03-12. Review status: criteria provided, single submitter. Criteria: Invitae Variant Classification Sherloc (09022015). Collection method: clinical testing. Allele origin: germline.
Comment: This sequence change creates a premature translational stop signal (p.Tyr986*) in the CACNA2D4 gene. It is expected to result in an absent or disrupted protein product. This variant is present in population databases (rs142964907, ExAC 0.02%). This variant has not been reported in the literature in individuals with CACNA2D4-related conditions. Algorithms developed to predict the effect of sequence changes on RNA splicing suggest that this variant may create or strengthen a splice site, but this prediction has not been confirmed by published transcriptional studies. The current clinical and genetic evidence is not sufficient to establish whether loss-of-function variants in CACNA2D4 cause disease. In summary, the available evidence is currently insufficient to determine the role of this variant in disease. Therefore, it has been classified as a Variant of Uncertain Significance.

Revvity Omics, Revvity
Classification: Likely pathogenic for Retinal cone dystrophy 4. Last evaluated: 2019-06-21. Review status: criteria provided, single submitter. Criteria: ACMG Guidelines, 2015. Collection method: clinical testing. Allele origin: germline.

NM_172364.5(CACNA2D4):c.2958C>G (p.Tyr986Ter)

Gene: CACNA2D4 (calcium voltage-gated channel auxiliary subunit alpha2delta 4; minus strand). Cytogenetic location: 12p13.33.
Variant type: single nucleotide variant.
Coding change: c.2958C>G on transcript NM_172364.5 (MANE Select); coding-DNA position 2958, C replaced by G.
Protein change: p.Tyr986Ter; replaces tyrosine 986 with a stop codon.
Molecular consequence: nonsense.
Genome position (GRCh38, 1-based): chr12:1,800,016, G>C on the plus strand (C>G on the coding strand, the complement: CACNA2D4 is on the minus strand). VCF-style: chr12-1800016-G-C. GRCh37 (hg19) VCF-style: chr12-1909182-G-C.
Other names: short protein forms Y986*.
Identifiers: ClinVar variation 1027104 (VCV001027104.8), dbSNP rs142964907, ClinGen allele CA6386127.